The following is an entry in ClinVar:

ClinVar aggregate classification (germline): Uncertain significance (1 of 4 stars; one submission).

Submission:

GeneDx
Classification: Uncertain significance. Last evaluated: 2023-06-15. Review status: criteria provided, single submitter. Criteria: GeneDx Variant Classification Process June 2021. Collection method: clinical testing. Allele origin: germline. Affected: yes.
Comment: Not observed at significant frequency in large population cohorts (gnomAD); In silico analysis supports that this missense variant has a deleterious effect on protein structure/function; Has not been previously published as pathogenic or benign to our knowledge

NM_152564.5(VPS13B):c.5783C>A (p.Pro1928His)

Gene: VPS13B (vacuolar protein sorting 13 homolog B; plus strand). Cytogenetic location: 8q22.2.
Variant type: single nucleotide variant.
Coding change: c.5783C>A on transcript NM_152564.5 (MANE Select); coding-DNA position 5783, C replaced by A.
Protein change: p.Pro1928His; replaces proline 1928 with histidine.
Molecular consequence: missense variant.
Genome position (GRCh38, 1-based): chr8:99,642,373, C>A. VCF-style: chr8-99642373-C-A. GRCh37 (hg19) VCF-style: chr8-100654601-C-A.
Other names: c.5858C>A, p.Pro1953His (NM_017890.5); short protein forms P1928H, P1953H.
Identifiers: ClinVar variation 3360073 (VCV003360073.1).